The following is an entry in ClinVar:

GRCh38/hg38 1q43-44(chr1:242410569-245413313)x1

Genes: ADSS2 (adenylosuccinate synthase 2; minus strand), AKT3 (AKT serine/threonine kinase 3; minus strand), AKT3-IT1 (AKT3 intronic transcript 1; minus strand), C1orf202 (chromosome 1 open reading frame 202; minus strand), CATSPERE (catsper channel auxiliary subunit epsilon; plus strand) and 70 more. Cytogenetic location: 1q43-44.
Variant type: copy number loss.
Change: copy number 1 (one copy instead of two) of chr1:242,410,569-245,413,313 (3.00 Mb, GRCh38 coordinates, 1-based), cytogenetic band 1q43-44.
Identifiers: ClinVar variation 60157 (VCV000060157.1).

ClinVar aggregate classification (germline): Pathogenic (1 of 4 stars; one submission).

Submission:

ISCA site 15
Classification: Pathogenic. Last evaluated: 2011-08-12. Review status: criteria provided, single submitter. Criteria: Kaminsky et al. (Genet Med. 2011). Collection method: clinical testing. Allele origin: de novo. Affected: yes. Observed: 1 variant allele.
Comment: Copy number variation identified through the course of routine clinical cytogenomic testing in postnatal populations. Clinical assertions have been curated as described in Kaminsky et al. 2011.